The following is an entry in ClinVar:

ClinVar aggregate classification (germline): Uncertain significance (1 of 4 stars; one submission).

Conditions:
Charcot-Marie-Tooth disease type 2. Also called: Charcot-Marie-Tooth type 2. Identifiers: Orphanet 64746, MedGen C0270914, MONDO:0018993.

Submission:

Labcorp Genetics (formerly Invitae), Labcorp
Classification: Uncertain significance for Charcot-Marie-Tooth disease type 2. Last evaluated: 2024-02-15. Review status: criteria provided, single submitter. Criteria: Invitae Variant Classification Sherloc (09022015). Collection method: clinical testing. Allele origin: germline.
Comment: This sequence change replaces aspartic acid, which is acidic and polar, with alanine, which is neutral and non-polar, at codon 414 of the MFN2 protein (p.Asp414Ala). This variant is not present in population databases (gnomAD no frequency). This variant has not been reported in the literature in individuals affected with MFN2-related conditions. Advanced modeling of protein sequence and biophysical properties (such as structural, functional, and spatial information, amino acid conservation, physicochemical variation, residue mobility, and thermodynamic stability) has been performed at Invitae for this missense variant, however the output from this modeling did not meet the statistical confidence thresholds required to predict the impact of this variant on MFN2 protein function. In summary, the available evidence is currently insufficient to determine the role of this variant in disease. Therefore, it has been classified as a Variant of Uncertain Significance.

NM_014874.4(MFN2):c.1241A>C (p.Asp414Ala)

Gene: MFN2 (mitofusin 2; plus strand). Cytogenetic location: 1p36.22.
Variant type: single nucleotide variant.
Coding change: c.1241A>C on transcript NM_014874.4 (MANE Select); coding-DNA position 1241, A replaced by C.
Protein change: p.Asp414Ala; replaces aspartic acid 414 with alanine.
Molecular consequence: missense variant.
Genome position (GRCh38, 1-based): chr1:12,004,072, A>C. VCF-style: chr1-12004072-A-C. GRCh37 (hg19) VCF-style: chr1-12064129-A-C.
Other names: c.1241A>C, p.Asp414Ala (NM_001127660.2); short protein forms D414A.
Identifiers: ClinVar variation 3669595 (VCV003669595.2).